The following is an entry in ClinVar:

NM_001363.5(DKC1):c.754G>A (p.Gly252Arg)

Gene: DKC1 (dyskerin pseudouridine synthase 1; plus strand). Cytogenetic location: Xq28.
Variant type: single nucleotide variant.
Coding change: c.754G>A on transcript NM_001363.5 (MANE Select); coding-DNA position 754, G replaced by A.
Protein change: p.Gly252Arg; replaces glycine 252 with arginine.
Molecular consequence: missense variant. On other transcripts: non-coding transcript variant (3).
Genome position (GRCh38, 1-based): chrX:154,768,415, G>A. VCF-style: chrX-154768415-G-A. GRCh37 (hg19) VCF-style: chrX-153996690-G-A.
Other names: c.754G>A, p.Gly252Arg (NM_001142463.3, NM_001288747.2); short protein forms G252R.
Identifiers: ClinVar variation 4740511 (VCV004740511.1).

ClinVar aggregate classification (germline): Uncertain significance (1 of 4 stars; one submission).

Conditions:
Dyskeratosis congenita. Identifiers: Orphanet 1775, MedGen C0265965, MONDO:0015780.

Submission:

Labcorp Genetics (formerly Invitae), Labcorp
Classification: Uncertain significance for Dyskeratosis congenita. Last evaluated: 2025-02-02. Review status: criteria provided, single submitter. Criteria: Invitae Variant Classification Sherloc (09022015). Collection method: clinical testing. Allele origin: germline.
Comment: This sequence change replaces glycine, which is neutral and non-polar, with arginine, which is basic and polar, at codon 252 of the DKC1 protein (p.Gly252Arg). This variant is not present in population databases (gnomAD no frequency). This variant has not been reported in the literature in individuals affected with DKC1-related conditions. Invitae Evidence Modeling of protein sequence and biophysical properties (such as structural, functional, and spatial information, amino acid conservation, physicochemical variation, residue mobility, and thermodynamic stability) indicates that this missense variant is expected to disrupt DKC1 protein function with a positive predictive value of 80%. Algorithms developed to predict the effect of sequence changes on RNA splicing suggest that this variant may disrupt the consensus splice site. In summary, the available evidence is currently insufficient to determine the role of this variant in disease. Therefore, it has been classified as a Variant of Uncertain Significance.